The following is an entry in ClinVar:

NM_015884.4(MBTPS2):c.639G>A (p.Ser213=)

Gene: MBTPS2 (membrane bound transcription factor peptidase, site 2; plus strand). Cytogenetic location: Xp22.12.
Variant type: single nucleotide variant.
Coding change: c.639G>A on transcript NM_015884.4 (MANE Select); coding-DNA position 639, G replaced by A.
Protein change: p.Ser213=; no amino-acid change (serine 213 retained).
Molecular consequence: synonymous variant.
Genome position (GRCh38, 1-based): chrX:21,853,472, G>A. VCF-style: chrX-21853472-G-A. GRCh37 (hg19) VCF-style: chrX-21871590-G-A.
Identifiers: ClinVar variation 739634 (VCV000739634.32), dbSNP rs758544234, ClinGen allele CA10367395.
Genomic context (GRCh38, chrX:21,853,472, plus strand): 5'-CTTCATTATTTATCCTGGAGCATTTGTTGATCTGTTCACCACTCATTTGCAACTTATATC[G>A]CCAGTCCAGCAGCTAAGGATATTTTGTGCAGGTAACAGACTTAATTTTGTTTTAATATTC-3'
Protein context (NP_056968.1, residues 203-223): DLFTTHLQLI[Ser213=]PVQQLRIFCA

ClinVar aggregate classification (germline): Benign/Likely benign. Review status: criteria provided, multiple submitters, no conflicts (2 of 4 stars). 3 submissions from 3 submitters: Benign (1); Likely benign (2). Last evaluated 2025-03-22.

Allele frequency attached by ClinVar (database versions not stated): gnomAD below 0.00001 and 0.00006; TOPMed below 0.00001; gnomAD exomes 0.00013 and 0.00025; 1000 Genomes Project 30x 0.00021; 1000 Genomes Project 0.00026; ExAC 0.00027.
gnomAD v4.1: 159 of 1,205,678 alleles (0.013%); highest among the groups gnomAD compares: South Asian, 0.21%; no homozygotes.

Submissions (3):

Labcorp Genetics (formerly Invitae), Labcorp
Classification: Benign. Last evaluated: 2025-03-22. Review status: criteria provided, single submitter. Criteria: Invitae Variant Classification Sherloc (09022015). Collection method: clinical testing. Allele origin: germline.

CeGaT Center for Human Genetics Tuebingen
Classification: Likely benign. Last evaluated: 2025-02-01. Review status: criteria provided, single submitter. Criteria: CeGaT Center For Human Genetics Tuebingen Variant Classification Criteria Version 2. Collection method: clinical testing. Allele origin: germline. Affected: yes. Observed: 2 variant alleles.
Comment: MBTPS2: BP4, BP7, BS2

Blueprint Genetics
Classification: Likely benign. Last evaluated: 2024-11-13. Review status: criteria provided, single submitter. Criteria: ACMG Guidelines, 2015. Collection method: clinical testing. Allele origin: germline.